The following is an entry in ClinVar:

NM_000128.4(F11):c.-54G>A

Gene: F11 (coagulation factor XI; plus strand). Cytogenetic location: 4q35.2.
Variant type: single nucleotide variant.
Coding change: c.-54G>A on transcript NM_000128.4 (MANE Select); 54 bases upstream of the start codon, G replaced by A.
Molecular consequence: 5 prime UTR variant.
Genome position (GRCh38, 1-based): chr4:186,266,243, G>A. VCF-style: chr4-186266243-G-A. GRCh37 (hg19) VCF-style: chr4-187187397-G-A.
Other names: c.-54G>A (NM_001354804.2).
Identifiers: ClinVar variation 348371 (VCV000348371.19), dbSNP rs4253814, ClinGen allele CA10620740.
Genomic context (GRCh38, chr4:186,266,243, plus strand): 5'-TGAAGTGACCATTTCCTACACAAGCTCATTCAGAGGAGGATGAAGACCATTTTGGAGGAA[G>A]AAAAGCACCCTTATTAAGAATTGCAGCAAGTAAGCCAACAAGGTCTTTTCAGGTACAGTT-3'

ClinVar aggregate classification (germline): Benign/Likely benign. Review status: criteria provided, multiple submitters, no conflicts (2 of 4 stars). 5 submissions from 5 submitters: Benign (1); Likely benign (2). 2 of the submissions do not count toward it. Last evaluated 2026-02-01.

Conditions:
Hereditary factor XI deficiency disease. Also called: Congenital factor XI deficiency; PLASMA THROMBOPLASTIN ANTECEDENT DEFICIENCY; PTA DEFICIENCY; ROSENTHAL SYNDROME. Identifiers: Orphanet 329, MedGen C0015523, MeSH D005173, MONDO:0012897, OMIM 612416.
Plasma factor XI deficiency.

Allele frequency attached by ClinVar (database versions not stated): gnomAD 0.01120 and 0.01170; TOPMed 0.01278; 1000 Genomes Project 0.01637; 1000 Genomes Project 30x 0.01827.

Submissions (5):

CeGaT Center for Human Genetics Tuebingen
Classification: Likely benign. Last evaluated: 2026-02-01. Review status: criteria provided, single submitter. Criteria: CeGaT Center For Human Genetics Tuebingen Variant Classification Criteria Version 2. Collection method: clinical testing. Allele origin: germline. Affected: yes. Observed: 1 variant allele.
Comment: F11: BS1

Labcorp Genetics (formerly Invitae), Labcorp
Classification: Benign. Last evaluated: 2026-01-28. Review status: criteria provided, single submitter. Criteria: Invitae Variant Classification Sherloc (09022015). Collection method: clinical testing. Allele origin: germline.

Illumina Laboratory Services, Illumina
Classification: Likely benign for Hereditary factor XI deficiency disease. Last evaluated: 2017-04-27. Review status: criteria provided, single submitter. Criteria: ICSL Variant Classification Criteria 13 December 2019. Collection method: clinical testing. Allele origin: germline.
Comment: This variant was observed as part of a predisposition screen in an ostensibly healthy population. A literature search was performed for the gene, cDNA change, and amino acid change (where applicable). Publications were found based on this search. The evidence from the literature, in combination with allele frequency data from public databases where available, was sufficient to determine this variant is unlikely to cause disease. Therefore, this variant is classified as likely benign.

Natera, Inc.
Classification: Likely benign for Plasma factor XI deficiency. Last evaluated: 2019-12-03. Review status: no assertion criteria provided. Collection method: clinical testing. Allele origin: germline. Not counted in ClinVar's aggregate classification.

Counsyl
Classification: Likely benign for Hereditary factor XI deficiency disease. Last evaluated: 2017-12-28. Review status: no assertion criteria provided. Collection method: clinical testing. Allele origin: unknown. Not counted in ClinVar's aggregate classification.

Literature cited by the submitters: PubMed 19652879 (cited by Illumina Laboratory Services, Illumina and Counsyl); PubMed 16835901 (cited by Illumina Laboratory Services, Illumina and Counsyl); PubMed 23315997 (cited by Counsyl).